The following is an entry in ClinVar:

ClinVar aggregate classification (germline): Uncertain significance (1 of 4 stars; one submission).

Allele frequency attached by ClinVar (database versions not stated): gnomAD 0.00001; gnomAD exomes 0.00006; ESP Exome Variant Server 0.00008; ExAC 0.00009.
gnomAD v4.1: 26 of 1,387,392 alleles (0.0019%); highest among the groups gnomAD compares: South Asian, 0.015%; no homozygotes.

Submission:

Labcorp Genetics (formerly Invitae), Labcorp
Classification: Uncertain significance. Last evaluated: 2023-11-27. Review status: criteria provided, single submitter. Criteria: Invitae Variant Classification Sherloc (09022015). Collection method: clinical testing. Allele origin: germline.
Comment: This sequence change replaces proline, which is neutral and non-polar, with leucine, which is neutral and non-polar, at codon 57 of the NUP205 protein (p.Pro57Leu). This variant is present in population databases (rs369458508, gnomAD 0.02%). This variant has not been reported in the literature in individuals affected with NUP205-related conditions. ClinVar contains an entry for this variant (Variation ID: 1449439). An algorithm developed to predict the effect of missense changes on protein structure and function (PolyPhen-2) suggests that this variant is likely to be disruptive. In summary, the available evidence is currently insufficient to determine the role of this variant in disease. Therefore, it has been classified as a Variant of Uncertain Significance.

NM_015135.3(NUP205):c.170C>T (p.Pro57Leu)

Gene: NUP205 (nucleoporin 205; plus strand). Cytogenetic location: 7q33.
Variant type: single nucleotide variant.
Coding change: c.170C>T on transcript NM_015135.3 (MANE Select); coding-DNA position 170, C replaced by T.
Protein change: p.Pro57Leu; replaces proline 57 with leucine.
Molecular consequence: missense variant. On other transcripts: 5 prime UTR variant (1).
Genome position (GRCh38, 1-based): chr7:135,571,246, C>T. VCF-style: chr7-135571246-C-T. GRCh37 (hg19) VCF-style: chr7-135255994-C-T.
Other names: c.-916C>T (NM_001329434.2); short protein forms P57L.
Identifiers: ClinVar variation 1449439 (VCV001449439.5), dbSNP rs369458508, ClinGen allele CA4497765.
Genomic context (GRCh38, chr7:135,571,246, plus strand): 5'-ACCTTCTTGATAAGATTTTGAAGAAACACAAACCTGACTTCATCTCATTGTTCAAAAATC[C>T]GGTAAGAAATTTTCTTTTTCAGTTTTTTTGGGATTTTTTTTTTTTTAAGATCGAGGAAGG-3'
Protein context (NP_055950.2, residues 47-67): KPDFISLFKN[Pro57Leu]PKNVQQHEKV